The following is an entry in ClinVar:

NM_005045.4(RELN):c.3353T>C (p.Val1118Ala)

Gene: RELN (reelin; minus strand). Cytogenetic location: 7q22.1.
Variant type: single nucleotide variant.
Coding change: c.3353T>C on transcript NM_005045.4 (MANE Select); coding-DNA position 3353, T replaced by C.
Protein change: p.Val1118Ala; replaces valine 1118 with alanine.
Molecular consequence: missense variant.
Genome position (GRCh38, 1-based): chr7:103,596,642, A>G on the plus strand (T>C on the coding strand, the complement: RELN is on the minus strand). VCF-style: chr7-103596642-A-G. GRCh37 (hg19) VCF-style: chr7-103237089-A-G.
Other names: c.3353T>C, p.Val1118Ala (NM_173054.3); short protein forms V1118A.
Identifiers: ClinVar variation 1994656 (VCV001994656.4), dbSNP rs2484723071, ClinGen allele CA368761251.
Genomic context (GRCh38, chr7:103,596,642, plus strand): 5'-CCGCCTATCTGGATGTAGAACTGGACAAAGTCCACCCAAGAAGTATCCAGGTCCCAACTC[A>G]CCAGCTGTCTTTTCCCAGCCTTTCAGAAAAGAAGAAAAATCAAATTCAGTAATCTGGGAG-3'
Protein context (NP_005036.2, residues 1108-1128): YFSKAGKRQL[Val1118Ala]SWDLDTSWVD

ClinVar aggregate classification (germline): Uncertain significance (1 of 4 stars; one submission).

Conditions:
Norman-Roberts syndrome (LIS2). Also called: Lissencephaly 2 (Norman-Roberts type). Identifiers: Orphanet 89844, MedGen C0796089, MONDO:0009760, OMIM 257320.
Familial temporal lobe epilepsy 7. Identifiers: Orphanet 101046, MedGen C4225327, MONDO:0014639, OMIM 616436.

Submission:

Labcorp Genetics (formerly Invitae), Labcorp
Classification: Uncertain significance for Familial temporal lobe epilepsy 7; Norman-Roberts syndrome. Last evaluated: 2022-05-15. Review status: criteria provided, single submitter. Criteria: Invitae Variant Classification Sherloc (09022015). Collection method: clinical testing. Allele origin: germline.
Comment: In summary, the available evidence is currently insufficient to determine the role of this variant in disease. Therefore, it has been classified as a Variant of Uncertain Significance. Algorithms developed to predict the effect of missense changes on protein structure and function are either unavailable or do not agree on the potential impact of this missense change (SIFT: "Deleterious"; PolyPhen-2: "Probably Damaging"; Align-GVGD: "Class C0"). This variant has not been reported in the literature in individuals affected with RELN-related conditions. This variant is not present in population databases (gnomAD no frequency). This sequence change replaces valine, which is neutral and non-polar, with alanine, which is neutral and non-polar, at codon 1118 of the RELN protein (p.Val1118Ala).